The following is an entry in ClinVar:

ClinVar aggregate classification (germline): Uncertain significance (1 of 4 stars; one submission).

Conditions:
Hereditary cancer-predisposing syndrome. Also called: Neoplastic Syndromes, Hereditary; Tumor predisposition; Hereditary neoplastic syndrome; Hereditary Cancer Syndrome. Identifiers: Orphanet 140162, MedGen C0027672, MeSH D009386, MONDO:0015356.

Submission:

Ambry Genetics
Classification: Uncertain significance for Hereditary cancer-predisposing syndrome. Last evaluated: 2022-11-14. Review status: criteria provided, single submitter. Criteria: Ambry Variant Classification Scheme 2023. Collection method: clinical testing. Allele origin: germline.
Comment: The c.5011_5015dupCGCTC variant, located in coding exon 35 of the SMARCA4 gene, results from a duplication of CGCTC at nucleotide position 5011, causing a translational frameshift with a predicted alternate stop codon (p.G1673Afs*31). This alteration occurs at the 3' terminus of theSMARCA4 gene, is not expected to trigger nonsense-mediated mRNAdecay and results in the elongation of the protein by 23 amino acids. This frameshift impacts the last 7amino acids of the native protein. The exact functional effect of the altered amino acids is unknown. Since supporting evidence is limited at this time, the clinical significance of this alteration remains unclear.

NM_003072.5(SMARCA4):c.4915_4919dup (p.Gly1641fs)

Gene: SMARCA4 (SWI/SNF related BAF chromatin remodeling complex subunit ATPase 4; plus strand). Cytogenetic location: 19p13.2.
Variant type: Duplication.
Coding change: c.4915_4919dup on transcript NM_003072.5 (MANE Select); coding-DNA positions 4915 to 4919, 5 bases duplicated (CGCTC; older notation c.4915_4919dupCGCTC).
Protein change: p.Gly1641fs; shifts the reading frame from glycine 1641.
Molecular consequence: frameshift variant. On other transcripts: non-coding transcript variant (1).
Genome position (GRCh38, 1-based): chr19:11,061,787-11,061,791, CGCTC duplicated; duplicating any 5 consecutive bases within chr19:11,061,786-11,061,791 gives the same sequence; the c. name uses the placement nearest the transcript's 3' end. VCF-style (leftmost placement, unchanged base first): chr19-11061785-A-ACCGCT. GRCh37 (hg19) VCF-style: chr19-11172461-A-ACCGCT.
Other names: c.4915_4919dup, p.Gly1641fs (NM_001128844.3); c.4825_4829dup, p.Gly1611fs (NM_001128845.2); c.4822_4826dup, p.Gly1610fs (NM_001128846.2); c.4816_4820dup, p.Gly1608fs (NM_001128847.4, NM_001374457.1); c.4813_4817dup, p.Gly1607fs (NM_001128848.2); c.5011_5015dup, p.Gly1673fs (NM_001128849.3, NM_001387283.1); c.4912_4916dup, p.Gly1640fs (NM_001411150.1); short protein forms G1610fs, G1607fs, G1608fs, G1611fs, G1640fs, G1673fs, G1641fs.
Identifiers: ClinVar variation 2452829 (VCV002452829.2), dbSNP rs2515866456, ClinGen allele CA2580096404.
Genomic context (GRCh38, chr19:11,061,785, plus strand): 5'-GGCAAGGTGCCCTGGCAGGGGTGGCCAACGCACACTCTCTCCTCCTGTCCCCTCTCCAGG[A>ACCGCT]CCGCTCAGGAAGTGGCAGCGAAGAAGACTGAGCCCCGACATTCCAGTCTCGACCCCGAGC-3'